The following is an entry in ClinVar:

ClinVar aggregate classification (germline): Uncertain significance (1 of 4 stars; one submission).

gnomAD v4.1: 2 of 1,612,494 alleles (0.00012%); highest among the groups gnomAD compares: African/African-American, 0.0027%; no homozygotes.

Submission:

GeneDx
Classification: Uncertain significance. Last evaluated: 2025-05-02. Review status: criteria provided, single submitter. Criteria: GeneDx Variant Classification Process June 2021. Collection method: clinical testing. Allele origin: germline. Affected: yes.
Comment: In silico analysis supports that this missense variant has a deleterious effect on protein structure/function; Has not been previously published as pathogenic or benign to our knowledge

NM_138691.3(TMC1):c.1240T>C (p.Ser414Pro)

Gene: TMC1 (transmembrane channel like 1; plus strand). Cytogenetic location: 9q21.13.
Variant type: single nucleotide variant.
Coding change: c.1240T>C on transcript NM_138691.3 (MANE Select); coding-DNA position 1240, T replaced by C.
Protein change: p.Ser414Pro; replaces serine 414 with proline.
Molecular consequence: missense variant.
Genome position (GRCh38, 1-based): chr9:72,791,901, T>C. VCF-style: chr9-72791901-T-C. GRCh37 (hg19) VCF-style: chr9-75406817-T-C.
Other names: short protein forms S414P.
Identifiers: ClinVar variation 4527487 (VCV004527487.1).
Genomic context (GRCh38, chr9:72,791,901, plus strand): 5'-CTTTAAACACCATTAACCTAGTTTCTCCCTTGTGCCTCCTTGTAGATGAACATGGTTATG[T>C]CCCTCCTAGGGATGTTCTGTCCAACATTGTTTGACTTATTTGCTGAATTAGAAGACTACC-3'
Protein context (NP_619636.2, residues 404-424): WEKNEMNMVM[Ser414Pro]LLGMFCPTLF